The following is an entry in ClinVar:

ClinVar aggregate classification (germline): Benign/Likely benign. Review status: criteria provided, multiple submitters, no conflicts (2 of 4 stars). 3 submissions from 3 submitters: Benign (1); Likely benign (2). Last evaluated 2026-04-15.

Conditions:
DICER1-related tumor predisposition. Also called: DICER1 syndrome; DICER1-related pleuropulmonary blastoma cancer predisposition syndrome. Identifiers: Orphanet 284343, MedGen C3839822, MONDO:0100216.
Hereditary cancer-predisposing syndrome. Also called: Neoplastic Syndromes, Hereditary; Tumor predisposition; Hereditary Cancer Syndrome; Hereditary neoplastic syndrome. Identifiers: Orphanet 140162, MedGen C0027672, MeSH D009386, MONDO:0015356.

Allele frequency attached by ClinVar (database versions not stated): gnomAD exomes below 0.00001.
gnomAD v4.1: 4 of 1,614,118 alleles (0.00025%); highest among the groups gnomAD compares: Non-Finnish European, 0.00034%; no homozygotes.

Submissions (3):

Myriad Genetics, Inc.
Classification: Benign for DICER1-related tumor predisposition. Last evaluated: 2026-04-15. Review status: criteria provided, single submitter. Criteria: Myriad Autosomal Dominant, Autosomal Recessive and X-Linked Classification Criteria (2023). Collection method: clinical testing. Allele origin: unknown.
Comment: This variant is considered benign. This variant is a silent/synonymous amino acid change and it is not expected to impact splicing.

Labcorp Genetics (formerly Invitae), Labcorp
Classification: Likely benign for DICER1-related tumor predisposition. Last evaluated: 2025-10-02. Review status: criteria provided, single submitter. Criteria: Invitae Variant Classification Sherloc (09022015). Collection method: clinical testing. Allele origin: germline.

Ambry Genetics
Classification: Likely benign for Hereditary cancer-predisposing syndrome. Last evaluated: 2025-06-14. Review status: criteria provided, single submitter. Criteria: Ambry Variant Classification Scheme 2023. Collection method: clinical testing. Allele origin: germline.

NM_177438.3(DICER1):c.1164A>G (p.Lys388=)

Gene: DICER1 (dicer 1, ribonuclease III; minus strand). Cytogenetic location: 14q32.13.
Variant type: single nucleotide variant.
Coding change: c.1164A>G on transcript NM_177438.3 (MANE Select); coding-DNA position 1164, A replaced by G.
Protein change: p.Lys388=; no amino-acid change (lysine 388 retained).
Molecular consequence: synonymous variant. On other transcripts: 5 prime UTR variant (1), non-coding transcript variant (6).
Genome position (GRCh38, 1-based): chr14:95,124,408, T>C on the plus strand (A>G on the coding strand, the complement: DICER1 is on the minus strand). VCF-style: chr14-95124408-T-C. GRCh37 (hg19) VCF-style: chr14-95590745-T-C.
Other names: c.882A>G, p.Lys294= (NM_001395686.1); c.759A>G, p.Lys253= (NM_001395687.1, NM_001395688.1, NM_001395689.1 and 3 more transcripts); c.597A>G, p.Lys199= (NM_001395691.1); c.1164A>G, p.Lys388= (NM_001395692.1, NM_001395693.1, NM_001395694.1 and 15 more transcripts); c.-405A>G (NM_001395697.1).
Identifiers: ClinVar variation 1940501 (VCV001940501.7), dbSNP rs2543178361, ClinGen allele CA487845387.